The following is an entry in ClinVar:

NM_183235.3(RAB27A):c.*387A>G

Gene: RAB27A (RAB27A, member RAS oncogene family; minus strand). Cytogenetic location: 15q21.3.
Variant type: single nucleotide variant.
Coding change: c.*387A>G on transcript NM_183235.3 (MANE Select); 387 bases downstream of the stop codon, A replaced by G.
Molecular consequence: 3 prime UTR variant.
Genome position (GRCh38, 1-based): chr15:55,205,120, T>C on the plus strand (A>G on the coding strand, the complement: RAB27A is on the minus strand). VCF-style: chr15-55205120-T-C. GRCh37 (hg19) VCF-style: chr15-55497318-T-C.
Other names: c.*387A>G (NM_004580.5, NM_183234.3, NM_183236.3).
Identifiers: ClinVar variation 316644 (VCV000316644.5), dbSNP rs73407873, ClinGen allele CA10642284.

ClinVar aggregate classification (germline): Benign (1 of 4 stars; one submission).

Conditions:
Griscelli syndrome type 2 (GS2). Also called: GRISCELLI SYNDROME WITH HEMOPHAGOCYTIC SYNDROME; PAID SYNDROME; PARTIAL ALBINISM AND IMMUNODEFICIENCY SYNDROME. Identifiers: Orphanet 381, Orphanet 79477, MedGen C1868679, MONDO:0011872, OMIM 607624.

Allele frequency attached by ClinVar (database versions not stated): gnomAD exomes 0.00125; gnomAD 0.00697 and 0.00704; TOPMed 0.00719; 1000 Genomes Project 0.01378; 1000 Genomes Project 30x 0.01452.
gnomAD v4.1: 1,207 of 263,516 alleles (0.46%); highest among the groups gnomAD compares: African/African-American, 2.2%; 14 homozygotes.

Submission:

Illumina Laboratory Services, Illumina
Classification: Benign for Griscelli syndrome type 2. Last evaluated: 2018-01-13. Review status: criteria provided, single submitter. Criteria: ICSL Variant Classification Criteria 13 December 2019. Collection method: clinical testing. Allele origin: germline.
Comment: This variant was observed in the ICSL laboratory as part of a predisposition screen in an ostensibly healthy population. It had not been previously curated by ICSL or reported in the Human Gene Mutation Database (HGMD: prior to June 1st, 2018), and was therefore a candidate for classification through an automated scoring system. Utilizing variant allele frequency, disease prevalence and penetrance estimates, and inheritance mode, an automated score was calculated to assess if this variant is too frequent to cause the disease. Based on the score and internal cut-off values, a variant classified as benign is not then subjected to further curation. The score for this variant resulted in a classification of benign for this disease.